The following is an entry in ClinVar:

NM_000492.4(CFTR):c.1029del (p.Phe342_Cys343insTer)

Gene: CFTR (CF transmembrane conductance regulator; plus strand). Cytogenetic location: 7q31.2.
Variant type: Deletion.
Coding change: c.1029del on transcript NM_000492.4 (MANE Select); coding-DNA position 1029, one base deleted (C; older notation c.1029delC).
Protein change: p.Phe342_Cys343insTer.
Molecular consequence: nonsense.
Genome position (GRCh38, 1-based): chr7:117,540,259, C deleted. VCF-style (leftmost placement, unchanged base first): chr7-117540258-GC-G. GRCh37 (hg19) VCF-style: chr7-117180312-GC-G.
Other names: 1161delC; c.1029delC (NM_000492.3, NM_000492.4).
Identifiers: ClinVar variation 53170 (VCV000053170.32), dbSNP rs121908774, ClinGen allele CA326371.

ClinVar aggregate classification (germline): Pathogenic. Review status: reviewed by expert panel (3 of 4 stars). 14 submissions from 14 submitters: Pathogenic (1). 13 of the submissions do not count toward it. Last evaluated 2017-03-17.

Conditions:
CFTR-related disorder (CFTR-RD). Also called: CFTR-related condition; CFTR-related disorders. Identifiers: MedGen C5924204, MONDO:7770004.
Congenital bilateral aplasia of vas deferens from CFTR mutation (CBAVD). Identifiers: Orphanet 48, MedGen C0403814, MONDO:0010178, OMIM 277180. Disease mechanism: loss of function.
Cystic fibrosis (CF). Also called: MUCOVISCIDOSIS. Identifiers: Orphanet 586, MedGen C0010674, MONDO:0009061, OMIM 219700. Disease mechanism: loss of function.
Hereditary pancreatitis (PCTT). Also called: PRSS1-Related Hereditary Pancreatitis; Hereditary chronic pancreatitis. Identifiers: Orphanet 676, MedGen C0238339, MONDO:0008185, OMIM 167800.
Bronchiectasis with or without elevated sweat chloride 1 (BESC1). Also called: Cystic Fibrosis-Like Syndrome. Identifiers: Orphanet 60033, MedGen C2749757, MONDO:0008887, OMIM 211400.

Allele frequency attached by ClinVar (database versions not stated): gnomAD below 0.00001 and 0.00001; gnomAD exomes 0.00002 and 0.00006; ExAC 0.00003; 1000 Genomes Project 30x 0.00016.

Submissions (14):

CFTR2
Classification: Pathogenic for Cystic fibrosis. Last evaluated: 2017-03-17. Review status: reviewed by expert panel. Criteria: Sosnay PR et al. (Nat Genet 2013). Collection method: research. Allele origin: germline. Affected: yes. Study: CFTR2.

Natera, Inc.
Classification: Pathogenic for CFTR-related disorders. Last evaluated: 2025-11-12. Review status: criteria provided, single submitter. Criteria: Natera Variant Classification Schema (03/2026). Collection method: clinical testing. Allele origin: germline. Not counted in ClinVar's aggregate classification.
Comment: The c.1029delC variant in CFTR is a frameshift variant predicted to shift the reading frame and introduce a stop codon. This variant is expected to result in nonsense mediated decay, truncation, or a dysfunctional protein product. This variant is rare in the general population with a frequency below the threshold expected for the associated phenotype(s). This variant has been observed in one or more individuals affected with the associated recessive disease, as either homozygous or compound heterozygous with a second variant (PMID: 9482579, 22299590). Given the available evidence, this variant is classified as Pathogenic.

First Genomix Gene Laboratory, Genetic Diagnostics Department
Classification: Pathogenic for Congenital bilateral aplasia of vas deferens from CFTR mutation; Cystic fibrosis. Last evaluated: 2025-09-15. Review status: criteria provided, single submitter. Criteria: ACMG Guidelines, 2015. Collection method: clinical testing. Allele origin: germline. Inheritance: Autosomal recessive inheritance. Affected: no. Observed: 1 variant allele. Not counted in ClinVar's aggregate classification.

Labcorp Genetics (formerly Invitae), Labcorp
Classification: Pathogenic for Cystic fibrosis. Last evaluated: 2024-09-18. Review status: criteria provided, single submitter. Criteria: Invitae Variant Classification Sherloc (09022015). Collection method: clinical testing. Allele origin: germline. Not counted in ClinVar's aggregate classification.
Comment: This sequence change creates a premature translational stop signal (p.Cys343*) in the CFTR gene. It is expected to result in an absent or disrupted protein product. Loss-of-function variants in CFTR are known to be pathogenic (PMID: 1695717, 7691345, 9725922). This variant is present in population databases (rs121908774, gnomAD 0.05%). This premature translational stop signal has been observed in individuals with cystic fibrosis (PMID: 9482579, 15463906). This variant is also known as c.1161delC. ClinVar contains an entry for this variant (Variation ID: 53170). For these reasons, this variant has been classified as Pathogenic.

Revvity Omics, Revvity
Classification: Pathogenic. Last evaluated: 2024-05-14. Review status: criteria provided, single submitter. Criteria: ACMG Guidelines, 2015. Collection method: clinical testing. Allele origin: germline. Not counted in ClinVar's aggregate classification.

Baylor Genetics
Classification: Pathogenic for Bronchiectasis with or without elevated sweat chloride 1. Last evaluated: 2023-12-14. Review status: criteria provided, single submitter. Criteria: ACMG Guidelines, 2015. Collection method: clinical testing. Allele origin: unknown. Not counted in ClinVar's aggregate classification.

Women's Health and Genetics/Laboratory Corporation of America, LabCorp
Classification: Pathogenic for Cystic fibrosis. Last evaluated: 2023-06-14. Review status: criteria provided, single submitter. Criteria: LabCorp Variant Classification Summary - May 2015. Collection method: clinical testing. Allele origin: germline. Not counted in ClinVar's aggregate classification.
Comment: Variant summary: CFTR c.1029delC (p.Cys343X) results in a premature termination codon, predicted to cause an absence of the protein due to nonsense mediated decay, which is a commonly known mechanism for disease. The variant allele was found at a frequency of 6.4e-05 in 251216 control chromosomes. This frequency is not significantly higher than estimated for a pathogenic variant in CFTR causing Cystic Fibrosis (6.4e-05 vs 0.013), allowing no conclusion about variant significance. c.1029delC has been reported in the literature in multiple individuals affected with Cystic Fibrosis (example, Malone_1998, Ooi_2012, Indika_2019). These data indicate that the variant is very likely to be associated with disease. The following publications have been ascertained in the context of this evaluation (PMID: 31126253, 9482579, 22658665). Multiple clinical diagnostic laboratories and databases (CFTR2, CFTR-France) have submitted clinical-significance assessments for this variant to ClinVar after 2014. All submitters classified the variant as pathogenic. Based on the evidence outlined above, the variant was classified as pathogenic.

Mayo Clinic Laboratories, Mayo Clinic
Classification: Pathogenic. Last evaluated: 2021-03-11. Review status: criteria provided, single submitter. Criteria: ACMG Guidelines, 2015. Collection method: clinical testing. Allele origin: germline. Observed: 1 variant allele. Not counted in ClinVar's aggregate classification.
Comment: PVS1, PM2, PP5, PM3_Strong

Genetics and Genomic Medicine Centre, NeuroGen Healthcare, NeuroGen Healthcare
Classification: Pathogenic for Cystic fibrosis. Last evaluated: 2020-01-23. Review status: criteria provided, single submitter. Criteria: Submitter's publication. Collection method: clinical testing. Allele origin: unknown. Affected: no. Not counted in ClinVar's aggregate classification.

CFTR-France
Classification: Pathogenic for cystic fibrosis. Last evaluated: 2018-01-29. Review status: criteria provided, single submitter. Criteria: Claustres M et al. (Hum Mutat 2017). Collection method: curation. Allele origin: germline. Affected: yes. Not counted in ClinVar's aggregate classification.

Ambry Genetics
Classification: Pathogenic for Cystic fibrosis. Last evaluated: 2016-11-15. Review status: criteria provided, single submitter. Criteria: Ambry Variant Classification Scheme 2023. Collection method: clinical testing. Allele origin: germline. Not counted in ClinVar's aggregate classification.
Comment: The c.1029delC pathogenic mutation, located in coding exon 8 of the CFTR gene, results from a deletion of one nucleotide at nucleotide position 1029, causing a translational frameshift with a predicted alternate stop codon (p.C343*). This mutation was identified in the homozygous state in two unrelated sibling pairs with cystic fibrosis (Malone G et al. Hum. Mutat., 1998;11:152-7). In addition to the clinical data presented in the literature, this alteration is expected to result in loss of function by premature protein truncation or nonsense-mediated mRNA decay. As such, this alteration is interpreted as a disease-causing mutation.

Lifecell International Pvt. Ltd
Classification: Pathogenic for Hereditary pancreatitis. Review status: criteria provided, single submitter. Criteria: ACMG Guidelines, 2015. Collection method: clinical testing. Allele origin: germline. Inheritance: Autosomal dominant inheritance. Affected: yes. Observed: 1 heterozygote. Not counted in ClinVar's aggregate classification.
Comment: A Heterozygous Frameshift variant c.1029delC in Exon 8 of the CFTR gene that results in the premature termination of the protein (p.Cys343fs*1) was identified. The observed variant has a minor allele frequency of 0.00006% in gnomAD exomes and genomes, respectively. The severity of the impact of this variant on the protein is high, based on the effect of the protein and REVEL score . Rare Exome Variant Ensemble Learner (REVEL) is an ensembl method for predicting the pathogenicity of missense variants based on a combination of scores from 13 individual tools: MutPred, FATHMM v2.3, VEST 3.0, PolyPhen-2, SIFT, PROVEAN, MutationAssessor, MutationTaster, LRT, GERP++, SiPhy, phyloP, and phastCons. The REVEL score for an individual missense variant can range from 0 to 1, with higher scores reflecting greater likelihood that the variant is disease-causing. The variant was found in ClinVar (Variant ID :53170) with a classification of Pathogenic and a review status of (3 star) criteria provided, expert panel reviewed. The variant was previously reported by Malone G et al.,1998. Based on the above evidence this variant has been classified as Pathogenic according to the ACMG guidelines.

Neuberg Centre For Genomic Medicine, NCGM
Classification: Pathogenic for Cystic fibrosis. Review status: criteria provided, single submitter. Criteria: ACMG Guidelines, 2015. Collection method: clinical testing. Allele origin: germline. Inheritance: Autosomal recessive inheritance. Affected: yes. Not counted in ClinVar's aggregate classification.
Comment: The frameshift c.1029del p.Cys343Ter variant in the CFTR gene has been observed in individuals with cystic fibrosis Duguépéroux, Ingrid et al., 2004. This variant is reported with the allele frequency 0.006% in the gnomAD Exomes and novel in 1000 Genomes. It is submitted to ClinVar as Pathogenic multiple submissions. This variant is predicted to cause loss of normal protein function through protein truncation. Loss of function variants have been previously reported to be disease causing. For these reasons, this variant has been classified as Pathogenic.

Counsyl
Classification: Pathogenic for Cystic fibrosis. Last evaluated: 2014-07-10. Review status: no assertion criteria provided. Collection method: literature only. Allele origin: unknown. Inheritance: Autosomal recessive inheritance. Not counted in ClinVar's aggregate classification.

Literature cited by the submitters: PubMed 9482579 (cited by 7 submitters); PubMed 22299590 (cited by Natera, Inc.); PubMed 1695717 (cited by Labcorp Genetics (formerly Invitae), Labcorp); PubMed 7691345 (cited by Labcorp Genetics (formerly Invitae), Labcorp); PubMed 9725922 (cited by Labcorp Genetics (formerly Invitae), Labcorp); PubMed 15463906 (cited by Labcorp Genetics (formerly Invitae), Labcorp and Counsyl); PubMed 22658665 (cited by 3 submitters); PubMed 31126253 (cited by Women's Health and Genetics/Laboratory Corporation of America, LabCorp and Mayo Clinic Laboratories, Mayo Clinic); PubMed 17716958 (cited by Counsyl); PubMed 12521276 (cited by Counsyl); PubMed 8947061 (cited by Counsyl); PubMed 18782298 (cited by Counsyl); PubMed 12007216 (cited by Counsyl); PubMed 22438829 (cited by Counsyl); PubMed 18456578 (cited by Counsyl); PubMed 22975760 (cited by Counsyl).